The following is an entry in ClinVar:

ClinVar aggregate classification (germline): Uncertain significance (1 of 4 stars; one submission).

Allele frequency attached by ClinVar (database versions not stated): ExAC 0.00002.
gnomAD v4.1: 2 of 1,613,578 alleles (0.00012%); highest among the groups gnomAD compares: Non-Finnish European, 0.00017%; no homozygotes.

Submission:

Labcorp Genetics (formerly Invitae), Labcorp
Classification: Uncertain significance. Last evaluated: 2021-09-10. Review status: criteria provided, single submitter. Criteria: Invitae Variant Classification Sherloc (09022015). Collection method: clinical testing. Allele origin: germline.
Comment: This sequence change replaces asparagine with serine at codon 2 of the USH2A protein (p.Asn2Ser). The asparagine residue is weakly conserved and there is a small physicochemical difference between asparagine and serine. This variant is present in population databases (rs772861429, ExAC 0.003%). This variant has not been reported in the literature in individuals affected with USH2A-related conditions. Algorithms developed to predict the effect of missense changes on protein structure and function output the following: SIFT: "Tolerated"; PolyPhen-2: "Benign"; Align-GVGD: "Class C0". The serine amino acid residue is found in multiple mammalian species, which suggests that this missense change does not adversely affect protein function. In summary, the available evidence is currently insufficient to determine the role of this variant in disease. Therefore, it has been classified as a Variant of Uncertain Significance.

NM_206933.4(USH2A):c.5A>G (p.Asn2Ser)

Gene: USH2A (usherin; minus strand). Cytogenetic location: 1q41.
Variant type: single nucleotide variant.
Coding change: c.5A>G on transcript NM_206933.4 (MANE Select); coding-DNA position 5, A replaced by G.
Protein change: p.Asn2Ser; replaces asparagine 2 with serine.
Molecular consequence: missense variant.
Genome position (GRCh38, 1-based): chr1:216,422,332, T>C on the plus strand (A>G on the coding strand, the complement: USH2A is on the minus strand). VCF-style: chr1-216422332-T-C. GRCh37 (hg19) VCF-style: chr1-216595674-T-C.
Other names: c.5A>G, p.Asn2Ser (NM_007123.6); short protein forms N2S.
Identifiers: ClinVar variation 1493948 (VCV001493948.6), dbSNP rs772861429, ClinGen allele CA1396871.